The following is an entry in ClinVar:

NM_000365.6(TPI1):c.600G>A (p.Ala200=)

Gene: TPI1 (triosephosphate isomerase 1; plus strand). Cytogenetic location: 12p13.31.
Variant type: single nucleotide variant.
Coding change: c.600G>A on transcript NM_000365.6 (MANE Select); coding-DNA position 600, G replaced by A.
Protein change: p.Ala200=; no amino-acid change (alanine 200 retained).
Molecular consequence: synonymous variant.
Genome position (GRCh38, 1-based): chr12:6,870,105, G>A. VCF-style: chr12-6870105-G-A. GRCh37 (hg19) VCF-style: chr12-6979269-G-A.
Other names: p.Ala200=; c.711G>A, p.Ala237= (NM_001159287.1); c.354G>A, p.Ala118= (NM_001258026.2).
Identifiers: ClinVar variation 717256 (VCV000717256.32), dbSNP rs61747602, ClinGen allele CA6419003.

ClinVar aggregate classification (germline): Benign/Likely benign. Review status: criteria provided, multiple submitters, no conflicts (2 of 4 stars). 7 submissions from 7 submitters: Benign (3); Likely benign (3). 1 of the submissions does not count toward it. Last evaluated 2026-01-27.

Conditions:
Triosephosphate isomerase deficiency (TPID). Also called: Triose phosphate isomerase deficiency. Identifiers: Orphanet 868, MedGen C1860808, MONDO:0014221, OMIM 615512.
TPI1-related disorder. Also called: TPI1-related condition.

Allele frequency attached by ClinVar (database versions not stated): gnomAD exomes 0.00036 and 0.00108; ExAC 0.00142; gnomAD 0.00427 and 0.00452; ESP Exome Variant Server 0.00477; TOPMed 0.00497; 1000 Genomes Project 30x 0.00562; 1000 Genomes Project 0.00599.
gnomAD v4.1: 1,218 of 1,614,152 alleles (0.075%); highest among the groups gnomAD compares: African/African-American, 1.4%; 3 homozygotes.

Submissions (7):

Labcorp Genetics (formerly Invitae), Labcorp
Classification: Benign. Last evaluated: 2026-01-27. Review status: criteria provided, single submitter. Criteria: Invitae Variant Classification Sherloc (09022015). Collection method: clinical testing. Allele origin: germline.

CeGaT Center for Human Genetics Tuebingen
Classification: Likely benign. Last evaluated: 2025-04-01. Review status: criteria provided, single submitter. Criteria: CeGaT Center For Human Genetics Tuebingen Variant Classification Criteria Version 2. Collection method: clinical testing. Allele origin: germline. Affected: yes. Observed: 1 variant allele.
Comment: TPI1: BP4, BP7, BS1

ARUP Laboratories, Molecular Genetics and Genomics, ARUP Laboratories
Classification: Benign for Triosephosphate isomerase deficiency. Last evaluated: 2025-02-21. Review status: criteria provided, single submitter. Criteria: ARUP Molecular Germline Variant Investigation Process 2024. Collection method: clinical testing. Allele origin: germline.

Mayo Clinic Laboratories, Mayo Clinic
Classification: Likely benign. Last evaluated: 2024-03-27. Review status: criteria provided, single submitter. Criteria: ACMG Guidelines, 2015. Collection method: clinical testing. Allele origin: germline. Observed: 12 variant alleles.

Illumina Laboratory Services, Illumina
Classification: Benign for Triosephosphate isomerase deficiency. Last evaluated: 2018-01-13. Review status: criteria provided, single submitter. Criteria: ICSL Variant Classification Criteria 13 December 2019. Collection method: clinical testing. Allele origin: germline.
Comment: This variant was observed in the ICSL laboratory as part of a predisposition screen in an ostensibly healthy population. It had not been previously curated by ICSL or reported in the Human Gene Mutation Database (HGMD: prior to June 1st, 2018), and was therefore a candidate for classification through an automated scoring system. Utilizing variant allele frequency, disease prevalence and penetrance estimates, and inheritance mode, an automated score was calculated to assess if this variant is too frequent to cause the disease. Based on the score and internal cut-off values, a variant classified as benign is not then subjected to further curation. The score for this variant resulted in a classification of benign for this disease.

Breakthrough Genomics
Classification: Likely benign. Review status: criteria provided, single submitter. Criteria: ACMG Guidelines, 2015. Collection method: not provided. Allele origin: germline. Inheritance: Autosomal recessive inheritance. Affected: yes.

PreventionGenetics, part of Exact Sciences
Classification: Benign for TPI1-related condition. Last evaluated: 2024-05-06. Review status: no assertion criteria provided. Collection method: clinical testing. Allele origin: germline. Not counted in ClinVar's aggregate classification.
Comment: This variant is classified as benign based on ACMG/AMP sequence variant interpretation guidelines (Richards et al. 2015 PMID: 25741868, with internal and published modifications).